The following is an entry in ClinVar:

NM_001349884.2(DRAM2):c.199+1G>A

Gene: DRAM2 (DNA damage regulated autophagy modulator 2; minus strand). Cytogenetic location: 1p13.3.
Variant type: single nucleotide variant.
Coding change: c.199+1G>A on transcript NM_001349884.2 (MANE Select); the canonical splice donor site of the intron after coding-DNA position 199, G replaced by A.
Molecular consequence: splice donor variant.
Genome position (GRCh38, 1-based): chr1:111,126,226, C>T on the plus strand (G>A on the coding strand, the complement: DRAM2 is on the minus strand). VCF-style: chr1-111126226-C-T. GRCh37 (hg19) VCF-style: chr1-111668848-C-T.
Other names: c.199+1G>A (NM_001349885.2, NM_178454.6, NM_001349882.2 and 1 more transcripts); c.-52+1G>A (NM_001349889.2, NM_001349890.2, NM_001349892.2 and 1 more transcripts); c.41+1G>A (NM_001349887.2, NM_001349886.2, NM_001349888.2); c.-220+1G>A (NM_001349891.2).
Identifiers: ClinVar variation 1478004 (VCV001478004.6), dbSNP rs898836564, ClinGen allele CA341819445.

ClinVar aggregate classification (germline): Likely pathogenic (1 of 4 stars; one submission).

Submission:

Labcorp Genetics (formerly Invitae), Labcorp
Classification: Likely pathogenic. Last evaluated: 2021-10-02. Review status: criteria provided, single submitter. Criteria: Invitae Variant Classification Sherloc (09022015). Collection method: clinical testing. Allele origin: germline.
Comment: This variant has not been reported in the literature in individuals affected with DRAM2-related conditions. In summary, the currently available evidence indicates that the variant is pathogenic, but additional data are needed to prove that conclusively. Therefore, this variant has been classified as Likely Pathogenic. Algorithms developed to predict the effect of sequence changes on RNA splicing suggest that this variant may disrupt the consensus splice site. This variant is not present in population databases (ExAC no frequency). This sequence change affects a donor splice site in intron 4 of the DRAM2 gene. It is expected to disrupt RNA splicing. Variants that disrupt the donor or acceptor splice site typically lead to a loss of protein function (PMID: 16199547), and loss-of-function variants in DRAM2 are known to be pathogenic (PMID: 25983245).

Literature cited by the submitters: PubMed 16199547; PubMed 25983245.